The following is an entry in ClinVar:

NM_000179.3(MSH6):c.3265_3306delinsCTTCTTAGAGCTTAAAGGATCACGCCATCCTTGCATTACGAAGAC (p.Glu1090_Thr1102delinsLeuArgAlaTer)

Gene: MSH6 (mutS homolog 6; plus strand). Cytogenetic location: 2p16.3.
Variant type: Indel.
Coding change: c.3265_3306delinsCTTCTTAGAGCTTAAAGGATCACGCCATCCTTGCATTACGAAGAC on transcript NM_000179.3 (MANE Select); coding-DNA positions 3265 to 3306, the reference bases replaced by an inserted sequence.
Protein change: p.Glu1090_Thr1102delinsLeuArgAlaTer.
Molecular consequence: nonsense. On other transcripts: inframe indel (37).
Genome position (GRCh38, 1-based): chr2:47,803,512-47,803,553, 42 bases replaced. GRCh37 (hg19): chr2:48,030,651-48,030,692.
Other names: c.2968_3009del42insCTTCTTAGAGCTTAAAGGATCACGCCATCCTTGCATTACGAAGAC, p.Glu991_Leu1261delinsLeuArgAla (NM_001406821.1, NM_001406824.1, NM_001406825.1 and 8 more transcripts); c.2968_3009del42insCTTCTTAGAGCTTAAAGGATCACGCCATCCTTGCATTACGAAGAC, p.Glu991_Gly1238delinsLeuArgAla (NM_001406822.1, NM_001406801.1); c.2359_2400del42insCTTCTTAGAGCTTAAAGGATCACGCCATCCTTGCATTACGAAGAC, p.Glu788_Leu1058delinsLeuArgAla (NM_001406823.1, NM_001406829.1, NM_001406811.1 and 4 more transcripts); c.3097_3138del42insCTTCTTAGAGCTTAAAGGATCACGCCATCCTTGCATTACGAAGAC, p.Glu1034_Leu1304delinsLeuArgAla (NM_001406826.1); c.46_87del42insCTTCTTAGAGCTTAAAGGATCACGCCATCCTTGCATTACGAAGAC, p.Glu17_Leu287delinsLeuArgAla (NM_001406831.1); c.2875_2916delinsCTTCTTAGAGCTTAAAGGATCACGCCATCCTTGCATTACGAAGAC, p.Glu960_Thr972delinsLeuArgAlaTer (NM_001281492.2); c.2359_2400delinsCTTCTTAGAGCTTAAAGGATCACGCCATCCTTGCATTACGAAGAC, p.Glu788_Thr800delinsLeuArgAlaTer (NM_001281493.2, NM_001281494.2); c.3361_3402del42insCTTCTTAGAGCTTAAAGGATCACGCCATCCTTGCATTACGAAGAC, p.Glu1122_Leu1392delinsLeuArgAla (NM_001406795.1); and 11 more.
Identifiers: ClinVar variation 1729572 (VCV001729572.2), dbSNP rs2530764375, ClinGen allele CA2580067022.

ClinVar aggregate classification (germline): Pathogenic (1 of 4 stars; one submission).

Conditions:
Hereditary cancer-predisposing syndrome. Also called: Neoplastic Syndromes, Hereditary; Tumor predisposition; Hereditary Cancer Syndrome; Hereditary neoplastic syndrome. Identifiers: Orphanet 140162, MedGen C0027672, MeSH D009386, MONDO:0015356.

Submission:

Ambry Genetics
Classification: Pathogenic for Hereditary cancer-predisposing syndrome. Last evaluated: 2019-11-25. Review status: criteria provided, single submitter. Criteria: Ambry Variant Classification Scheme 2023. Collection method: clinical testing. Allele origin: germline.
Comment: The c.3265_3306del42ins45 pathogenic mutation, located in coding exon 5 of the MSH6 gene, results from the deletion of 42 nucleotides and insertion of 45 nucleotides at positions 3265 to 3306, resulting in a predicted alternate stop codon (p.E1090Lfs*4). This alteration is expected to result in loss of function by premature protein truncation or nonsense-mediated mRNA decay. As such, this alteration is interpreted as a disease-causing mutation.